The following is an entry in ClinVar:

ClinVar aggregate classification (germline): Pathogenic/Likely pathogenic. Review status: criteria provided, multiple submitters, no conflicts (2 of 4 stars). 5 submissions from 5 submitters: Pathogenic (1); Likely pathogenic (1). 3 of the submissions do not count toward it. Last evaluated 2024-09-19.

Conditions:
Intellectual developmental disorder, X-linked, syndromic, Hackmann-Di Donato type. Also called: MENTAL RETARDATION, X-LINKED, WITH MARFANOID HABITUS, 2. Identifiers: Orphanet 700325, MedGen C5393302, MONDO:0026733, OMIM 301039.

Submissions (5):

GeneDx
Classification: Pathogenic. Last evaluated: 2024-09-19. Review status: criteria provided, single submitter. Criteria: GeneDx Variant Classification Process June 2021. Collection method: clinical testing. Allele origin: germline.
Comment: Not observed at significant frequency in large population cohorts (gnomAD); In silico analysis supports that this missense variant has a deleterious effect on protein structure/function; This variant is associated with the following publications: (PMID: 31587868)

Institute of Human Genetics, Clinical Exome/Genome Diagnostics Group, University Hospital Bonn
Classification: Likely pathogenic for Intellectual developmental disorder, X-linked, syndromic, Hackmann-Di Donato type. Last evaluated: 2022-05-17. Review status: criteria provided, single submitter. Criteria: ACMG Guidelines, 2015. Collection method: clinical testing. Allele origin: germline. Affected: yes.

OMIM
Classification: Pathogenic for INTELLECTUAL DEVELOPMENTAL DISORDER, X-LINKED, SYNDROMIC, HACKMANN-DI DONATO TYPE. Last evaluated: 2020-03-17. Review status: no assertion criteria provided. Collection method: literature only. Allele origin: germline. Not counted in ClinVar's aggregate classification.

Clinical Genetics DNA and cytogenetics Diagnostics Lab, Erasmus MC, Erasmus Medical Center
Classification: Likely pathogenic. Review status: no assertion criteria provided. Collection method: clinical testing. Allele origin: germline. Affected: yes. Study: VKGL Data-share Consensus. Not counted in ClinVar's aggregate classification.

Joint Genome Diagnostic Labs from Nijmegen and Maastricht, Radboudumc and MUMC+
Classification: Likely pathogenic. Review status: no assertion criteria provided. Collection method: clinical testing. Allele origin: germline. Affected: yes. Study: VKGL Data-share Consensus. Not counted in ClinVar's aggregate classification.

Literature cited by the submitters: PubMed 31587868 (cited by OMIM).

NM_024528.4(NKAP):c.989G>A (p.Arg330His)

Gene: NKAP (NFKB activating protein; minus strand). Cytogenetic location: Xq24.
Variant type: single nucleotide variant.
Coding change: c.989G>A on transcript NM_024528.4 (MANE Select); coding-DNA position 989, G replaced by A.
Protein change: p.Arg330His; replaces arginine 330 with histidine.
Molecular consequence: missense variant.
Genome position (GRCh38, 1-based): chrX:119,930,100, C>T on the plus strand (G>A on the coding strand, the complement: NKAP is on the minus strand). VCF-style: chrX-119930100-C-T. GRCh37 (hg19) VCF-style: chrX-119064063-C-T.
Other names: c.989G>A (NM_024528.3); short protein forms R330H.
Identifiers: ClinVar variation 827655 (VCV000827655.9), dbSNP rs1603379780, ClinGen allele CA414193319.